The following is an entry in ClinVar:

ClinVar aggregate classification (germline): Likely benign. Review status: criteria provided, multiple submitters, no conflicts (2 of 4 stars). 2 submissions from 2 submitters: Likely benign (2). Last evaluated 2023-09-01.

Allele frequency attached by ClinVar (database versions not stated): gnomAD exomes 0.00002 and below 0.00001; ExAC 0.00001; gnomAD 0.00001; TOPMed 0.00001.
gnomAD v4.1: 24 of 1,613,918 alleles (0.0015%); highest among the groups gnomAD compares: Non-Finnish European, 0.0019%; no homozygotes.

Submissions (2):

CeGaT Center for Human Genetics Tuebingen
Classification: Likely benign. Last evaluated: 2023-09-01. Review status: criteria provided, single submitter. Criteria: CeGaT Center For Human Genetics Tuebingen Variant Classification Criteria Version 2. Collection method: clinical testing. Allele origin: germline. Affected: yes. Observed: 2 variant alleles.
Comment: ERCC3: BP4, BP7

Labcorp Genetics (formerly Invitae), Labcorp
Classification: Likely benign. Last evaluated: 2020-10-13. Review status: criteria provided, single submitter. Criteria: Invitae Variant Classification Sherloc (09022015). Collection method: clinical testing. Allele origin: germline.

NM_000122.2(ERCC3):c.336T>C (p.His112=)

Gene: ERCC3 (ERCC excision repair 3, TFIIH core complex helicase subunit; minus strand). Cytogenetic location: 2q14.3.
Variant type: single nucleotide variant.
Coding change: c.336T>C on transcript NM_000122.2 (MANE Select); coding-DNA position 336, T replaced by C.
Protein change: p.His112=; no amino-acid change (histidine 112 retained).
Molecular consequence: synonymous variant.
Genome position (GRCh38, 1-based): chr2:127,292,745, A>G on the plus strand (T>C on the coding strand, the complement: ERCC3 is on the minus strand). VCF-style: chr2-127292745-A-G. GRCh37 (hg19) VCF-style: chr2-128050321-A-G.
Other names: c.144T>C, p.His48= (NM_001303416.2, NM_001303418.2).
Identifiers: ClinVar variation 1123174 (VCV001123174.32), dbSNP rs752107242, ClinGen allele CA1858565.
Genomic context (GRCh38, chr2:127,292,745, plus strand): 5'-TTGCAGCCCAACGCTGACAGCTGCATACAAGGAGTAGGCAGTTAGTTTGTACTCATGCAC[A>G]TGGGTTGGTCGGCACACTGGCTCTGCAATAGCCACCAAGAAGTCTTGGGCATATTTGTAA-3'
Protein context (NP_000113.1, residues 102-122): AIAEPVCRPT[His112=]VHEYKLTAYS